The following is an entry in ClinVar:

NM_000093.5(COL5A1):c.3007-6_3007-5delinsAG

Gene: COL5A1 (collagen type V alpha 1 chain; plus strand). Cytogenetic location: 9q34.3.
Variant type: Indel.
Coding change: c.3007-6_3007-5delinsAG on transcript NM_000093.5 (MANE Select); 6 bases into the intron before coding-DNA position 3007 through 5 bases into the intron before coding-DNA position 3007, CC replaced by AG.
Molecular consequence: intron variant.
Genome position (GRCh38, 1-based): chr9:134,802,882-134,802,883, CC replaced by AG. VCF-style: chr9-134802882-CC-AG. GRCh37 (hg19) VCF-style: chr9-137694728-CC-AG.
Other names: c.3007-6_3007-5delinsAG (NM_001278074.1).
Identifiers: ClinVar variation 2815628 (VCV002815628.3), dbSNP rs2490788797, ClinGen allele CA2739265212.

ClinVar aggregate classification (germline): Uncertain significance (1 of 4 stars; one submission).

Conditions:
Ehlers-Danlos syndrome, classic type, 1 (EDSCL1). Also called: EHLERS-DANLOS SYNDROME, GRAVIS TYPE; EHLERS-DANLOS SYNDROME, SEVERE CLASSIC TYPE; Ehlers-Danlos syndrome, type 1; Ehlers-Danlos Syndrome, Classic Type, COL5A1-Related; EDS I. Identifiers: MedGen C0268335, MONDO:0019567, OMIM 130000.

Submission:

Labcorp Genetics (formerly Invitae), Labcorp
Classification: Uncertain significance for Ehlers-Danlos syndrome, classic type, 1. Last evaluated: 2022-12-21. Review status: criteria provided, single submitter. Criteria: Invitae Variant Classification Sherloc (09022015). Collection method: clinical testing. Allele origin: germline.
Comment: In summary, the available evidence is currently insufficient to determine the role of this variant in disease. Therefore, it has been classified as a Variant of Uncertain Significance. Experimental studies and prediction algorithms are not available or were not evaluated, and the effect of this variant on mRNA splicing is currently unknown. This variant has not been reported in the literature in individuals affected with COL5A1-related conditions. Information on the frequency of this variant in the gnomAD database is not available, as this variant may be reported differently in the database. This sequence change falls in intron 38 of the COL5A1 gene. It does not directly change the encoded amino acid sequence of the COL5A1 protein.